The following is an entry in ClinVar:

NM_000256.3(MYBPC3):c.757A>G (p.Asn253Asp)

Gene: MYBPC3 (myosin binding protein C3; minus strand). Cytogenetic location: 11p11.2.
Variant type: single nucleotide variant.
Coding change: c.757A>G on transcript NM_000256.3 (MANE Select); coding-DNA position 757, A replaced by G.
Protein change: p.Asn253Asp; replaces asparagine 253 with aspartic acid.
Molecular consequence: missense variant.
Genome position (GRCh38, 1-based): chr11:47,348,439, T>C on the plus strand (A>G on the coding strand, the complement: MYBPC3 is on the minus strand). VCF-style: chr11-47348439-T-C. GRCh37 (hg19) VCF-style: chr11-47369990-T-C.
Other names: short protein forms N253D.
Identifiers: ClinVar variation 3387143 (VCV003387143.1).

ClinVar aggregate classification (germline): Uncertain significance (1 of 4 stars; one submission).

Conditions:
Hypertrophic cardiomyopathy. Also called: HYPERTROPHIC MYOCARDIOPATHY. Identifiers: Orphanet 217569, MedGen C0007194, MeSH D002312, MONDO:0005045, HP:0001639.

Submission:

All of Us Research Program, National Institutes of Health
Classification: Uncertain significance for Hypertrophic cardiomyopathy. Last evaluated: 2024-02-22. Review status: criteria provided, single submitter. Criteria: ACMG Guidelines, 2015. Collection method: clinical testing. Allele origin: germline. Inheritance: Autosomal dominant inheritance. Observed: 1 variant allele, 1 heterozygote.
Comment: This missense variant replaces asparagine with aspartic acid at codon 253 of the MYBPC3 protein. Computational prediction suggests that this variant may not impact protein structure and function (internally defined REVEL score threshold <= 0.5, PMID: 27666373). To our knowledge, functional studies have not been reported for this variant. This variant has not been reported in individuals affected with MYBPC3-related disorders in the literature. This variant has not been identified in the general population by the Genome Aggregation Database (gnomAD). The available evidence is insufficient to determine the role of this variant in disease conclusively. Therefore, this variant is classified as a Variant of Uncertain Significance.

This study involves interpretation of variants in research participants for the purpose of population health screening. Participant phenotype was not available at the time of variant classification. Additional details can be found in publication PMID: 35346344, PMCID: PMC8962531